The following is an entry in ClinVar:

NM_014908.4(DOLK):c.435C>T (p.Gly145=)

Gene: DOLK (dolichol kinase; minus strand). Cytogenetic location: 9q34.11.
Variant type: single nucleotide variant.
Coding change: c.435C>T on transcript NM_014908.4 (MANE Select); coding-DNA position 435, C replaced by T.
Protein change: p.Gly145=; no amino-acid change (glycine 145 retained).
Molecular consequence: synonymous variant.
Genome position (GRCh38, 1-based): chr9:128,946,869, G>A on the plus strand (C>T on the coding strand, the complement: DOLK is on the minus strand). VCF-style: chr9-128946869-G-A. GRCh37 (hg19) VCF-style: chr9-131709148-G-A.
Identifiers: ClinVar variation 772982 (VCV000772982.13), dbSNP rs781307203, ClinGen allele CA5271745.
Genomic context (GRCh38, chr9:128,946,869, plus strand): 5'-GATCACCTCCCCCACGCTCAACGAGTGCTTCATGATATAAATGATAACACCTCCAGCCAA[G>A]CCCAAGATGACACAAGTGTTGGTTGGCACTGGGCGAGTGATGCCGAGCGCCAACACTGAT-3'
Protein context (NP_055723.1, residues 135-155): PVPTNTCVIL[Gly145=]LAGGVIIYIM

ClinVar aggregate classification (germline): Likely benign. Review status: criteria provided, multiple submitters, no conflicts (2 of 4 stars). 4 submissions from 4 submitters: Likely benign (3). 1 of the submissions does not count toward it. Last evaluated 2025-12-13.

Conditions:
DOLK-related disorder. Also called: DOLK-related condition.
DK1-congenital disorder of glycosylation. Also called: DK1-CDG; CDG Im; DK1 DEFICIENCY; DOLICHOL KINASE DEFICIENCY; CONGENITAL DISORDER OF GLYCOSYLATION, TYPE Im; DOLK-congenital disorder of glycosylation. Identifiers: Orphanet 91131, MedGen C1835849, MONDO:0012556, OMIM 610768.
Cardiovascular phenotype. Identifiers: MedGen CN230736.

Allele frequency attached by ClinVar (database versions not stated): gnomAD exomes below 0.00001; ExAC 0.00002; gnomAD 0.00005; TOPMed 0.00005.

Submissions (4):

Labcorp Genetics (formerly Invitae), Labcorp
Classification: Likely benign for DK1-congenital disorder of glycosylation. Last evaluated: 2025-12-13. Review status: criteria provided, single submitter. Criteria: Invitae Variant Classification Sherloc (09022015). Collection method: clinical testing. Allele origin: germline.

Ambry Genetics
Classification: Likely benign for Cardiovascular phenotype. Last evaluated: 2023-04-16. Review status: criteria provided, single submitter. Criteria: Ambry Variant Classification Scheme 2023. Collection method: clinical testing. Allele origin: germline.

Blueprint Genetics
Classification: Likely benign. Last evaluated: 2023-02-13. Review status: criteria provided, single submitter. Criteria: ACMG Guidelines, 2015. Collection method: clinical testing. Allele origin: germline.

PreventionGenetics, part of Exact Sciences
Classification: Likely benign for DOLK-related condition. Last evaluated: 2019-09-17. Review status: no assertion criteria provided. Collection method: clinical testing. Allele origin: germline. Not counted in ClinVar's aggregate classification.
Comment: This variant is classified as likely benign based on ACMG/AMP sequence variant interpretation guidelines (Richards et al. 2015 PMID: 25741868, with internal and published modifications).